The following is an entry in ClinVar:

NM_003072.5(SMARCA4):c.4624G>A (p.Glu1542Lys)

Gene: SMARCA4 (SWI/SNF related BAF chromatin remodeling complex subunit ATPase 4; plus strand). Cytogenetic location: 19p13.2.
Variant type: single nucleotide variant.
Coding change: c.4624G>A on transcript NM_003072.5 (MANE Select); coding-DNA position 4624, G replaced by A.
Protein change: p.Glu1542Lys; replaces glutamic acid 1542 with lysine.
Molecular consequence: missense variant. On other transcripts: non-coding transcript variant (1).
Genome position (GRCh38, 1-based): chr19:11,058,878, G>A. VCF-style: chr19-11058878-G-A. GRCh37 (hg19) VCF-style: chr19-11169554-G-A.
Other names: c.4624G>A, p.Glu1542Lys (NM_001128844.3); c.4534G>A, p.Glu1512Lys (NM_001128845.2); c.4531G>A, p.Glu1511Lys (NM_001128846.2); c.4525G>A, p.Glu1509Lys (NM_001128847.4, NM_001374457.1); c.4522G>A, p.Glu1508Lys (NM_001128848.2); c.4720G>A, p.Glu1574Lys (NM_001128849.3, NM_001387283.1); short protein forms E1511K, E1512K, E1508K, E1509K, E1542K, E1574K.
Identifiers: ClinVar variation 654276 (VCV000654276.10), dbSNP rs1057523176, ClinGen allele CA404079043.

ClinVar aggregate classification (germline): Uncertain significance. Review status: criteria provided, multiple submitters, no conflicts (2 of 4 stars). 2 submissions from 2 submitters: Uncertain significance (2). Last evaluated 2025-12-24.

Conditions:
Hereditary cancer-predisposing syndrome. Also called: Neoplastic Syndromes, Hereditary; Tumor predisposition; Hereditary Cancer Syndrome; Hereditary neoplastic syndrome. Identifiers: Orphanet 140162, MedGen C0027672, MeSH D009386, MONDO:0015356.
Rhabdoid tumor predisposition syndrome 2 (RTPS2). Identifiers: Orphanet 231108, Orphanet 69077, MedGen C2750074, MONDO:0013224, OMIM 613325.

Submissions (2):

Labcorp Genetics (formerly Invitae), Labcorp
Classification: Uncertain significance for Rhabdoid tumor predisposition syndrome 2. Last evaluated: 2025-12-24. Review status: criteria provided, single submitter. Criteria: Invitae Variant Classification Sherloc (09022015). Collection method: clinical testing. Allele origin: germline.
Comment: This sequence change replaces glutamic acid, which is acidic and polar, with lysine, which is basic and polar, at codon 1574 of the SMARCA4 protein (p.Glu1574Lys). This variant is not present in population databases (gnomAD no frequency). This variant has not been reported in the literature in individuals affected with SMARCA4-related conditions. ClinVar contains an entry for this variant (Variation ID: 654276). Invitae Evidence Modeling of protein sequence and biophysical properties (such as structural, functional, and spatial information, amino acid conservation, physicochemical variation, residue mobility, and thermodynamic stability) indicates that this missense variant is expected to disrupt SMARCA4 protein function with a positive predictive value of 95%. In summary, the available evidence is currently insufficient to determine the role of this variant in disease. Therefore, it has been classified as a Variant of Uncertain Significance.

Ambry Genetics
Classification: Uncertain significance for Hereditary cancer-predisposing syndrome. Last evaluated: 2024-12-17. Review status: criteria provided, single submitter. Criteria: Ambry Variant Classification Scheme 2023. Collection method: clinical testing. Allele origin: germline.
Comment: The p.E1574K variant (also known as c.4720G>A), located in coding exon 32 of the SMARCA4 gene, results from a G to A substitution at nucleotide position 4720. The glutamic acid at codon 1574 is replaced by lysine, an amino acid with similar properties. This amino acid position is highly conserved in available vertebrate species. In addition, the in silico prediction for this alteration is inconclusive. Based on the available evidence, the clinical significance of this variant remains unclear.